The following is an entry in ClinVar:

NM_000748.3(CHRNB2):c.1338_1339insTGGA (p.Val447fs)

Gene: CHRNB2 (cholinergic receptor nicotinic beta 2 subunit; plus strand). Cytogenetic location: 1q21.3.
Variant type: Insertion.
Coding change: c.1338_1339insTGGA on transcript NM_000748.3 (MANE Select); coding-DNA positions 1338 to 1339, TGGA inserted.
Protein change: p.Val447fs; shifts the reading frame from valine 447.
Molecular consequence: frameshift variant.
Genome position: GRCh38 VCF-style: chr1-154575761-G-GTGGA. GRCh37 (hg19) VCF-style: chr1-154548237-G-GTGGA.
Other names: short protein forms V447fs.
Identifiers: ClinVar variation 2081220 (VCV002081220.4), dbSNP rs2526383984, ClinGen allele CA2580061129.

ClinVar aggregate classification (germline): Uncertain significance (1 of 4 stars; one submission).

Conditions:
Familial sleep-related hypermotor epilepsy. Also called: Autosomal Dominant Sleep-Related Hypermotor (Hyperkinetic) Epilepsy. Identifiers: Orphanet 98784, MedGen C3696898, MONDO:0000030.

Submission:

Labcorp Genetics (formerly Invitae), Labcorp
Classification: Uncertain significance. Last evaluated: 2022-01-27. Review status: criteria provided, single submitter. Criteria: Invitae Variant Classification Sherloc (09022015). Collection method: clinical testing. Allele origin: germline.
Comment: This variant is not present in population databases (gnomAD no frequency). This sequence change creates a premature translational stop signal (p.Val447Trp*4) in the CHRNB2 gene. While this is not anticipated to result in nonsense mediated decay, it is expected to disrupt the last 56 amino acid(s) of the CHRNB2 protein. This variant has not been reported in the literature in individuals affected with CHRNB2-related conditions. In summary, the available evidence is currently insufficient to determine the role of this variant in disease. Therefore, it has been classified as a Variant of Uncertain Significance. Algorithms developed to predict the effect of sequence changes on RNA splicing suggest that this variant may disrupt the consensus splice site.